The following is an entry in ClinVar:

ClinVar aggregate classification (germline): Uncertain significance (1 of 4 stars; one submission).

Submission:

GeneDx
Classification: Uncertain significance. Last evaluated: 2021-04-12. Review status: criteria provided, single submitter. Criteria: GeneDx Variant Classification Process June 2021. Collection method: clinical testing. Allele origin: germline. Affected: yes.
Comment: Not observed in large population cohorts (Lek et al., 2016); In silico analysis supports that this missense variant does not alter protein structure/function; Has not been previously published as pathogenic or benign to our knowledge

NM_198880.3(QRICH1):c.443C>A (p.Ala148Asp)

Gene: QRICH1 (glutamine rich 1; minus strand). Cytogenetic location: 3p21.31.
Variant type: single nucleotide variant.
Coding change: c.443C>A on transcript NM_198880.3 (MANE Select); coding-DNA position 443, C replaced by A.
Protein change: p.Ala148Asp; replaces alanine 148 with aspartic acid.
Molecular consequence: missense variant.
Genome position (GRCh38, 1-based): chr3:49,057,757, G>T on the plus strand (C>A on the coding strand, the complement: QRICH1 is on the minus strand). VCF-style: chr3-49057757-G-T. GRCh37 (hg19) VCF-style: chr3-49095190-G-T.
Other names: c.443C>A, p.Ala148Asp (NM_001320580.2, NM_001320581.2, NM_001320582.2 and 4 more transcripts); short protein forms A148D.
Identifiers: ClinVar variation 1314500 (VCV001314500.2), dbSNP rs2106907115, ClinGen allele CA352674884.